The following is an entry in ClinVar:

ClinVar aggregate classification (germline): Uncertain significance. Review status: criteria provided, multiple submitters, no conflicts (2 of 4 stars). 4 submissions from 4 submitters: Uncertain significance (4). Last evaluated 2026-08-06.

Conditions:
FLNC-related disorder. Also called: FLNC-related condition; FLNC-related disorders.
Hypertrophic cardiomyopathy 26. Also called: Cardiomyopathy, familial hypertrophic, 26. Identifiers: Orphanet 75249, MedGen C4310749, MONDO:0014883, OMIM 617047.
Distal myopathy with posterior leg and anterior hand involvement. Also called: WILLIAMS DISTAL MYOPATHY. Identifiers: Orphanet 63273, MedGen C3279722, MONDO:0013550, OMIM 614065.
Myofibrillar myopathy 5. Also called: Filaminopathy (type); FILAMINOPATHY, AUTOSOMAL DOMINANT. Identifiers: Orphanet 171445, MedGen C1836050, MONDO:0012289, OMIM 609524.

Allele frequency attached by ClinVar (database versions not stated): TOPMed below 0.00001; gnomAD exomes 0.00001; ExAC 0.00002; gnomAD 0.00002; 1000 Genomes Project 30x 0.00047; 1000 Genomes Project 0.00060.

Submissions (4):

PreventionGenetics, part of Exact Sciences
Classification: Uncertain significance for FLNC-related condition. Last evaluated: 2026-08-06. Review status: criteria provided, single submitter. Criteria: ACMG Guidelines, 2015. Collection method: clinical testing. Allele origin: germline.
Comment: The FLNC c.5341A>G variant is predicted to result in the amino acid substitution p.Met1781Val. This variant has been reported as a variant of uncertain significance in an individual with dilated cardiomyopathy (Table S2, Horgan et al. 2025. PubMed ID: 39694818). This variant is reported in 0.0065% of alleles in individuals of South Asian descent in gnomAD. At this time, the clinical significance of this variant is uncertain due to the absence of conclusive functional and genetic evidence.

Labcorp Genetics (formerly Invitae), Labcorp
Classification: Uncertain significance for Distal myopathy with posterior leg and anterior hand involvement; Myofibrillar myopathy 5; Hypertrophic cardiomyopathy 26. Last evaluated: 2025-05-30. Review status: criteria provided, single submitter. Criteria: Invitae Variant Classification Sherloc (09022015). Collection method: clinical testing. Allele origin: germline.
Comment: This sequence change replaces methionine, which is neutral and non-polar, with valine, which is neutral and non-polar, at codon 1781 of the FLNC protein (p.Met1781Val). This variant is present in population databases (rs540112341, gnomAD 0.01%). This variant has not been reported in the literature in individuals affected with FLNC-related conditions. ClinVar contains an entry for this variant (Variation ID: 1500789). Invitae Evidence Modeling of protein sequence and biophysical properties (such as structural, functional, and spatial information, amino acid conservation, physicochemical variation, residue mobility, and thermodynamic stability) has been performed for this missense variant. However, the output from this modeling did not meet the statistical confidence thresholds required to predict the impact of this variant on FLNC protein function. In summary, the available evidence is currently insufficient to determine the role of this variant in disease. Therefore, it has been classified as a Variant of Uncertain Significance.

GeneDx
Classification: Uncertain significance. Last evaluated: 2025-03-27. Review status: criteria provided, single submitter. Criteria: GeneDx Variant Classification Process June 2021. Collection method: clinical testing. Allele origin: germline. Affected: yes.
Comment: Not observed at significant frequency in large population cohorts (gnomAD); In silico analysis indicates that this missense variant does not alter protein structure/function; Has not been previously published as pathogenic or benign to our knowledge

Revvity Omics, Revvity
Classification: Uncertain significance. Last evaluated: 2023-07-12. Review status: criteria provided, single submitter. Criteria: ACMG Guidelines, 2015. Collection method: clinical testing. Allele origin: germline.

NM_001458.5(FLNC):c.5341A>G (p.Met1781Val)

Genes: FLNC (filamin C; plus strand), FLNC-AS1 (FLNC antisense RNA 1; minus strand). Cytogenetic location: 7q32.1.
Variant type: single nucleotide variant.
Coding change: c.5341A>G on transcript NM_001458.5 (MANE Select); coding-DNA position 5341, A replaced by G.
Protein change: p.Met1781Val; replaces methionine 1781 with valine.
Molecular consequence: missense variant.
Genome position (GRCh38, 1-based): chr7:128,850,426, A>G. VCF-style: chr7-128850426-A-G. GRCh37 (hg19) VCF-style: chr7-128490480-A-G.
Other names: c.5242A>G, p.Met1748Val (NM_001127487.2); c.5341A>G (NM_001458.4); short protein forms M1748V, M1781V.
Identifiers: ClinVar variation 1500789 (VCV001500789.12), dbSNP rs540112341, ClinGen allele CA4475657.